The following is an entry in ClinVar:

NM_001042681.2(RERE):c.4339+5G>A

Gene: RERE (arginine-glutamic acid dipeptide repeats; minus strand). Cytogenetic location: 1p36.23.
Variant type: single nucleotide variant.
Coding change: c.4339+5G>A on transcript NM_001042681.2 (MANE Select); 5 bases into the intron after coding-DNA position 4339, G replaced by A.
Molecular consequence: intron variant.
Genome position (GRCh38, 1-based): chr1:8,358,191, C>T on the plus strand (G>A on the coding strand, the complement: RERE is on the minus strand). VCF-style: chr1-8358191-C-T. GRCh37 (hg19) VCF-style: chr1-8418251-C-T.
Other names: c.4339+5G>A (NM_012102.4); c.2677+5G>A (NM_001042682.2).
Identifiers: ClinVar variation 2172769 (VCV002172769.4), dbSNP rs374970396, ClinGen allele CA17690368.

ClinVar aggregate classification (germline): Uncertain significance (1 of 4 stars; one submission).

Allele frequency attached by ClinVar (database versions not stated): gnomAD 0.00001; TOPMed 0.00002.
gnomAD v4.1: 18 of 1,584,714 alleles (0.0011%); highest among the groups gnomAD compares: South Asian, 0.0057%; no homozygotes.

Submission:

Labcorp Genetics (formerly Invitae), Labcorp
Classification: Uncertain significance. Last evaluated: 2024-10-17. Review status: criteria provided, single submitter. Criteria: Invitae Variant Classification Sherloc (09022015). Collection method: clinical testing. Allele origin: germline.
Comment: This sequence change falls in intron 21 of the RERE gene. It does not directly change the encoded amino acid sequence of the RERE protein. It affects a nucleotide within the consensus splice site. This variant is present in population databases (rs374970396, gnomAD 0.005%). This variant has not been reported in the literature in individuals affected with RERE-related conditions. ClinVar contains an entry for this variant (Variation ID: 2172769). Variants that disrupt the consensus splice site are a relatively common cause of aberrant splicing (PMID: 17576681, 9536098). Algorithms developed to predict the effect of sequence changes on RNA splicing suggest that this variant may disrupt the consensus splice site. In summary, the available evidence is currently insufficient to determine the role of this variant in disease. Therefore, it has been classified as a Variant of Uncertain Significance.

Literature cited by the submitters: PubMed 17576681; PubMed 9536098.